The following is an entry in ClinVar:

NM_004064.5(CDKN1B):c.-3_6delinsGTGTCT (p.Met1del)

Gene: CDKN1B (cyclin dependent kinase inhibitor 1B; plus strand). Cytogenetic location: 12p13.1.
Variant type: Indel.
Coding change: c.-3_6delinsGTGTCT on transcript NM_004064.5 (MANE Select); 3 bases upstream of the start codon through coding-DNA position 6, AAGATGTCA replaced by GTGTCT.
Protein change: p.Met1del; deletes methionine 1.
Molecular consequence: initiator codon variant.
Genome position (GRCh38, 1-based): chr12:12,717,837-12,717,845, AAGATGTCA replaced by GTGTCT. VCF-style: chr12-12717837-AAGATGTCA-GTGTCT. GRCh37 (hg19) VCF-style: chr12-12870771-AAGATGTCA-GTGTCT.
Other names: short protein forms M1del.
Identifiers: ClinVar variation 4842692 (VCV004842692.1).

ClinVar aggregate classification (germline): Uncertain significance (1 of 4 stars; one submission).

Conditions:
Hereditary cancer-predisposing syndrome. Also called: Neoplastic Syndromes, Hereditary; Tumor predisposition; Hereditary Cancer Syndrome; Hereditary neoplastic syndrome. Identifiers: Orphanet 140162, MedGen C0027672, MeSH D009386, MONDO:0015356.

Submission:

Ambry Genetics
Classification: Uncertain significance for Hereditary cancer-predisposing syndrome. Last evaluated: 2025-12-17. Review status: criteria provided, single submitter. Criteria: Ambry Variant Classification Scheme 2023. Collection method: clinical testing. Allele origin: germline.
Comment: The p.M1? variant (also known as c.-3_6delAAGATGTCAinsGTGTCT) is located in coding exon 1 of the CDKN1B gene and results from a deletion of 9 nucleotides and insertion of 6 nucleotides at positions c.-3 to c.6. This alters the methionine residue at the initiation codon. Variations that modify the initiation codon (ATG) are expected to result in either loss of translation initiation, N-terminal truncation, or cause a shift in the mRNA reading frame; however, there is an in-frame methionine 15 amino acids from the initiation site, which may result in N-terminal truncation of unknown functional significance. Based on the available evidence, the clinical significance of this variant remains unclear.